The following is an entry in ClinVar:

NM_001378615.1(CC2D2A):c.4552C>T (p.Arg1518Trp)

Genes: CC2D2A (coiled-coil and C2 domain containing 2A; plus strand), FBXL5 (F-box and leucine rich repeat protein 5; minus strand). Cytogenetic location: 4p15.32.
Variant type: single nucleotide variant.
Coding change: c.4552C>T on transcript NM_001378615.1 (MANE Select); coding-DNA position 4552, C replaced by T.
Protein change: p.Arg1518Trp; replaces arginine 1518 with tryptophan.
Molecular consequence: missense variant.
Genome position (GRCh38, 1-based): chr4:15,599,584, C>T. VCF-style: chr4-15599584-C-T. GRCh37 (hg19) VCF-style: chr4-15601207-C-T.
Other names: c.4552C>T, p.Arg1518Trp (NM_001080522.2); c.4405C>T, p.Arg1469Trp (NM_001378617.1); short protein forms R1518W, R1469W.
Identifiers: ClinVar variation 579685 (VCV000579685.13), dbSNP rs767260373, ClinGen allele CA2864414.

ClinVar aggregate classification (germline): Conflicting classifications of pathogenicity. Review status: criteria provided, conflicting classifications (1 of 4 stars). 3 submissions from 3 submitters: Pathogenic (1); Likely pathogenic (1); Uncertain significance (1). Last evaluated 2025-10-16.

Conditions:
Meckel-Gruber syndrome. Also called: Dysencephalia splachnocystica; DYSENCEPHALIA SPLANCHNOCYSTICA; GRUBER SYNDROME. Identifiers: Orphanet 564, MedGen C0265215, MONDO:0018921.
Joubert syndrome. Also called: Familial aplasia of the vermis; JOUBERT-BOLTSHAUSER SYNDROME. Identifiers: Orphanet 475, MedGen C5979921, MONDO:0018772.
Joubert syndrome and related disorders. Identifiers: Orphanet 140874, MedGen C5679612, MONDO:0015369.
Joubert syndrome 9 (JBTS9). Identifiers: Orphanet 2318, MedGen C2676788, MONDO:0012849, OMIM 612285.

Allele frequency attached by ClinVar (database versions not stated): gnomAD exomes below 0.00001; ExAC 0.00001.
gnomAD v4.1: 13 of 1,606,932 alleles (0.00081%); highest among the groups gnomAD compares: Middle Eastern, 0.017%; no homozygotes.

Submissions (3):

Myriad Genetics, Inc.
Classification: Likely pathogenic for Joubert syndrome and related disorders. Last evaluated: 2025-10-16. Review status: criteria provided, single submitter. Criteria: Myriad Autosomal Dominant, Autosomal Recessive and X-Linked Classification Criteria (2023). Collection method: clinical testing. Allele origin: unknown.
Comment: NM_001080522.2(CC2D2A):c.4552C>T(R1518W) is a missense variant classified as likely pathogenic in the context of CC2D2A-related disorders. R1518W has been observed in cases with relevant disease (PMID: 23692786, 39761966, 36319078). Relevant functional assessments of this variant are not available in the literature. R1518W has been observed in referenced population frequency databases. In summary, NM_001080522.2(CC2D2A):c.4552C>T(R1518W) is a missense variant that has been observed more frequently in cases with the relevant disease than in healthy populations. Please note: this variant was assessed in the context of healthy population screening.

Labcorp Genetics (formerly Invitae), Labcorp
Classification: Pathogenic for Joubert syndrome; Meckel-Gruber syndrome. Last evaluated: 2023-11-24. Review status: criteria provided, single submitter. Criteria: Invitae Variant Classification Sherloc (09022015). Collection method: clinical testing. Allele origin: germline.
Comment: This sequence change replaces arginine, which is basic and polar, with tryptophan, which is neutral and slightly polar, at codon 1518 of the CC2D2A protein (p.Arg1518Trp). The frequency data for this variant in the population databases is considered unreliable, as metrics indicate poor data quality at this position in the gnomAD database. This missense change has been observed in individual(s) with Joubert syndrome (PMID: 23692786; Invitae). ClinVar contains an entry for this variant (Variation ID: 579685). Advanced modeling of protein sequence and biophysical properties (such as structural, functional, and spatial information, amino acid conservation, physicochemical variation, residue mobility, and thermodynamic stability) performed at Invitae indicates that this missense variant is expected to disrupt CC2D2A protein function with a positive predictive value of 95%. For these reasons, this variant has been classified as Pathogenic.

Broad Center for Mendelian Genomics, Broad Institute of MIT and Harvard
Classification: Uncertain significance for Joubert syndrome 9. Last evaluated: 2018-11-15. Review status: criteria provided, single submitter. Criteria: ACMG Guidelines, 2015. Collection method: research. Allele origin: germline. Inheritance: Autosomal recessive inheritance. Affected: yes.
Comment: This variant has been identified in <0.01% (1/110440) of European (Non-Finnish) chromosomes by the Genome Aggregation Database (gnomAD; dbSNP rs767260373). Although this variant has been seen in the general population, its frequency is low enough to be consistent with a recessive carrier frequency. Computational prediction tools and conservation analyses suggest that this variant may impact the protein, though this information is not predictive enough to determine pathogenicity. In summary, the clinical significance of the p.Arg1518Trp variant is uncertain.

Literature cited by the submitters: PubMed 23692786 (cited by Myriad Genetics, Inc. and Labcorp Genetics (formerly Invitae), Labcorp); PubMed 36319078 (cited by Myriad Genetics, Inc.); PubMed 39761966 (cited by Myriad Genetics, Inc.).